The following is an entry in ClinVar:

NM_006087.4(TUBB4A):c.1198G>A (p.Gly400Ser)

Gene: TUBB4A (tubulin beta 4A class IVa; minus strand). Cytogenetic location: 19p13.3.
Variant type: single nucleotide variant.
Coding change: c.1198G>A on transcript NM_006087.4 (MANE Select); coding-DNA position 1198, G replaced by A.
Protein change: p.Gly400Ser; replaces glycine 400 with serine.
Molecular consequence: missense variant.
Genome position (GRCh38, 1-based): chr19:6,495,301, C>T on the plus strand (G>A on the coding strand, the complement: TUBB4A is on the minus strand). VCF-style: chr19-6495301-C-T. GRCh37 (hg19) VCF-style: chr19-6495312-C-T.
Other names: c.1351G>A, p.Gly451Ser (NM_001289123.2); c.1333G>A, p.Gly445Ser (NM_001289127.2); c.1198G>A, p.Gly400Ser (NM_001289129.2); c.982G>A, p.Gly328Ser (NM_001289130.2, NM_001289131.2); short protein forms G400S, G445S, G451S, G328S.
Identifiers: ClinVar variation 2742251 (VCV002742251.3), dbSNP rs2512751841, ClinGen allele CA403588673.
Genomic context (GRCh38, chr19:6,495,301, plus strand): 5'-ATACCAGGTCATTCATGTTGCTCTCGGCCTCGGTGAACTCCATCTCGTCCATGCCCTCGC[C>T]CGTGTACCAGTGCAAGAAGGCCTTGCGCCGGAACATGGCCGTGAACTGCTCGGAGATGCG-3'
Protein context (NP_006078.2, residues 390-410): RRKAFLHWYT[Gly400Ser]EGMDEMEFTE

ClinVar aggregate classification (germline): Uncertain significance (1 of 4 stars; one submission).

Conditions:
Leukodystrophy, hypomyelinating, 6. Also called: LEUKODYSTROPHY, HYPOMYELINATING, WITH ATROPHY OF THE BASAL GANGLIA AND CEREBELLUM; TUBB4A-Associated Leukodystrophy; Hypomyelination with Atrophy of Basal Ganglia and Cerebellum (H-ABC). Identifiers: Orphanet 139441, MedGen C2676244, MONDO:0012905, OMIM 612438.

Submission:

Labcorp Genetics (formerly Invitae), Labcorp
Classification: Uncertain significance for Leukodystrophy, hypomyelinating, 6. Last evaluated: 2023-09-19. Review status: criteria provided, single submitter. Criteria: Invitae Variant Classification Sherloc (09022015). Collection method: clinical testing. Allele origin: germline.
Comment: This sequence change replaces glycine, which is neutral and non-polar, with serine, which is neutral and polar, at codon 400 of the TUBB4A protein (p.Gly400Ser). This variant is not present in population databases (gnomAD no frequency). This variant has not been reported in the literature in individuals affected with TUBB4A-related conditions. Advanced modeling of protein sequence and biophysical properties (such as structural, functional, and spatial information, amino acid conservation, physicochemical variation, residue mobility, and thermodynamic stability) performed at Invitae indicates that this missense variant is not expected to disrupt TUBB4A protein function. In summary, the available evidence is currently insufficient to determine the role of this variant in disease. Therefore, it has been classified as a Variant of Uncertain Significance.